The following is an entry in ClinVar:

ClinVar aggregate classification (germline): Pathogenic (1 of 4 stars; one submission).

Conditions:
Cardiovascular phenotype. Identifiers: MedGen CN230736.

Submission:

Ambry Genetics
Classification: Pathogenic for Cardiovascular phenotype. Last evaluated: 2025-08-20. Review status: criteria provided, single submitter. Criteria: Ambry Variant Classification Scheme 2023. Collection method: clinical testing. Allele origin: germline.
Comment: The c.1381delC pathogenic mutation, located in coding exon 8 of the FLNC gene, results from a deletion of one nucleotide at nucleotide position 1381, causing a translational frameshift with a predicted alternate stop codon (p.R461Afs*31). This variant is considered to be rare based on population cohorts in the Genome Aggregation Database (gnomAD). This alteration is expected to result in loss of function by premature protein truncation or nonsense-mediated mRNA decay. As such, this alteration is interpreted as a disease-causing mutation for FLNC-related dilated cardiomyopathy; however, its clinical significance for FLNC-related hypertrophic/restrictive cardiomyopathy and/or skeletal myopathy is uncertain.

NM_001458.5(FLNC):c.1381del (p.Arg461fs)

Gene: FLNC (filamin C; plus strand). Cytogenetic location: 7q32.1.
Variant type: Deletion.
Coding change: c.1381del on transcript NM_001458.5 (MANE Select); coding-DNA position 1381, one base deleted (C; older notation c.1381delC).
Protein change: p.Arg461fs; shifts the reading frame from arginine 461.
Molecular consequence: frameshift variant.
Genome position (GRCh38, 1-based): chr7:128,838,773, C deleted; the last of 3 consecutive C bases (chr7:128,838,771-128,838,773); deleting any one gives the same sequence. VCF-style (leftmost placement, unchanged base first): chr7-128838770-AC-A. GRCh37 (hg19) VCF-style: chr7-128478824-AC-A.
Other names: c.1381del, p.Arg461fs (NM_001127487.2); short protein forms R461fs.
Identifiers: ClinVar variation 4258286 (VCV004258286.1).
Genomic context (GRCh38, chr7:128,838,770, plus strand): 5'-TACAGACCTGCCATGGAGGGGCCACATACCGTGCATGTGGCCTTTGCGGGTGCCCCCATC[AC>A]CCGCAGTCCCTTCCCTGTCCATGTGTCGGAAGGTAAGGGCCCTTCACTGCTCCCCACGGT-3'